The following is an entry in ClinVar:

ClinVar aggregate classification (germline): Uncertain significance (1 of 4 stars; one submission).

Submission:

Greenwood Genetic Center Diagnostic Laboratories, Greenwood Genetic Center
Classification: Uncertain significance. Last evaluated: 2025-10-16. Review status: criteria provided, single submitter. Criteria: ACMG Guidelines, 2015. Collection method: clinical testing. Allele origin: germline. Affected: yes.
Comment: Gene of Uncertain Significance

NM_018398.3(CACNA2D3):c.1376G>T (p.Ser459Ile)

Gene: CACNA2D3 (calcium voltage-gated channel auxiliary subunit alpha2delta 3; plus strand). Cytogenetic location: 3p14.3.
Variant type: single nucleotide variant.
Coding change: c.1376G>T on transcript NM_018398.3 (MANE Select); coding-DNA position 1376, G replaced by T.
Protein change: p.Ser459Ile; replaces serine 459 with isoleucine.
Molecular consequence: missense variant.
Genome position (GRCh38, 1-based): chr3:54,764,347, G>T. VCF-style: chr3-54764347-G-T. GRCh37 (hg19) VCF-style: chr3-54798374-G-T.
Other names: short protein forms S459I.
Identifiers: ClinVar variation 4845575 (VCV004845575.1).